The following is an entry in ClinVar:

NM_005886.3(KATNB1):c.1228G>A (p.Asp410Asn)

Gene: KATNB1 (katanin regulatory subunit B1; plus strand). Cytogenetic location: 16q21.
Variant type: single nucleotide variant.
Coding change: c.1228G>A on transcript NM_005886.3 (MANE Select); coding-DNA position 1228, G replaced by A.
Protein change: p.Asp410Asn; replaces aspartic acid 410 with asparagine.
Molecular consequence: missense variant.
Genome position (GRCh38, 1-based): chr16:57,753,995, G>A. VCF-style: chr16-57753995-G-A. GRCh37 (hg19) VCF-style: chr16-57787907-G-A.
Other names: short protein forms D410N.
Identifiers: ClinVar variation 2188903 (VCV002188903.3), dbSNP rs201477611, ClinGen allele CA8081085.

ClinVar aggregate classification (germline): Uncertain significance (1 of 4 stars; one submission).

Allele frequency attached by ClinVar (database versions not stated): gnomAD exomes 0.00001; ExAC 0.00004; TOPMed 0.00009; ESP Exome Variant Server 0.00015.
gnomAD v4.1: 30 of 1,613,208 alleles (0.0019%); highest among the groups gnomAD compares: African/African-American, 0.015%; no homozygotes.

Submission:

Labcorp Genetics (formerly Invitae), Labcorp
Classification: Uncertain significance. Last evaluated: 2022-06-07. Review status: criteria provided, single submitter. Criteria: Invitae Variant Classification Sherloc (09022015). Collection method: clinical testing. Allele origin: germline.
Comment: Algorithms developed to predict the effect of missense changes on protein structure and function (SIFT, PolyPhen-2, Align-GVGD) all suggest that this variant is likely to be tolerated. In summary, the available evidence is currently insufficient to determine the role of this variant in disease. Therefore, it has been classified as a Variant of Uncertain Significance. Variants that disrupt the consensus splice site are a relatively common cause of aberrant splicing (PMID: 17576681, 9536098). Algorithms developed to predict the effect of sequence changes on RNA splicing suggest that this variant may create or strengthen a splice site. This variant has not been reported in the literature in individuals affected with KATNB1-related conditions. The frequency data for this variant in the population databases is considered unreliable, as metrics indicate poor data quality at this position in the gnomAD database. This sequence change replaces aspartic acid, which is acidic and polar, with asparagine, which is neutral and polar, at codon 410 of the KATNB1 protein (p.Asp410Asn). This variant also falls at the last nucleotide of exon 13, which is part of the consensus splice site for this exon.

Literature cited by the submitters: PubMed 17576681; PubMed 9536098.